The following is an entry in ClinVar:

NM_000218.3(KCNQ1):c.1514+1058C>G

Genes: KCNQ1 (potassium voltage-gated channel subfamily Q member 1; plus strand), KCNQ1OT1 (KCNQ1 opposite strand/antisense transcript 1; minus strand). Cytogenetic location: 11p15.5.
Variant type: single nucleotide variant.
Coding change: c.1514+1058C>G on transcript NM_000218.3 (MANE Select); 1058 bases into the intron after coding-DNA position 1514, C replaced by G.
Molecular consequence: intron variant. On other transcripts: non-coding transcript variant (1).
Genome position (GRCh38, 1-based): chr11:2,663,139, C>G. VCF-style: chr11-2663139-C-G. GRCh37 (hg19) VCF-style: chr11-2684369-C-G.
Other names: c.1244+1058C>G (NM_001406837.1); c.1418+1058C>G (NM_001406836.1); c.974+1058C>G (NM_001406838.1); c.1133+1058C>G (NM_181798.2).
Identifiers: ClinVar variation 3026359 (VCV003026359.22), dbSNP rs191419678, ClinGen allele CA216172166.

ClinVar aggregate classification (germline): Benign (1 of 4 stars; one submission).

Allele frequency attached by ClinVar (database versions not stated): gnomAD exomes 0.00010; TOPMed 0.00080; gnomAD 0.00086; 1000 Genomes Project 30x 0.00125; 1000 Genomes Project 0.00200.
gnomAD v4.1: 154 of 398,716 alleles (0.039%); highest among the groups gnomAD compares: African/African-American, 0.31%; no homozygotes.

Submission:

CeGaT Center for Human Genetics Tuebingen
Classification: Benign. Last evaluated: 2023-12-01. Review status: criteria provided, single submitter. Criteria: CeGaT Center For Human Genetics Tuebingen Variant Classification Criteria Version 2. Collection method: clinical testing. Allele origin: germline. Affected: yes. Observed: 1 variant allele.
Comment: KCNQ1OT1: BS1, BS2